The following is an entry in ClinVar:

ClinVar aggregate classification (germline): Likely benign (0 of 4 stars; one submission).

Conditions:
ACE-related disorder. Also called: ACE-related condition; ACE-related disorders.

Allele frequency attached by ClinVar (database versions not stated): gnomAD 0.00001; gnomAD exomes 0.00001; ExAC 0.00003.
gnomAD v4.1: 19 of 1,612,922 alleles (0.0012%); highest among the groups gnomAD compares: South Asian, 0.015%; no homozygotes.

Submission:

PreventionGenetics, part of Exact Sciences
Classification: Likely benign for ACE-related condition. Last evaluated: 2023-07-28. Review status: no assertion criteria provided. Collection method: clinical testing. Allele origin: germline.
Comment: This variant is classified as likely benign based on ACMG/AMP sequence variant interpretation guidelines (Richards et al. 2015 PMID: 25741868, with internal and published modifications).

NM_000789.4(ACE):c.588G>A (p.Ala196=)

Gene: ACE (angiotensin I converting enzyme; plus strand). Cytogenetic location: 17q23.3.
Variant type: single nucleotide variant.
Coding change: c.588G>A on transcript NM_000789.4 (MANE Select); coding-DNA position 588, G replaced by A.
Protein change: p.Ala196=; no amino-acid change (alanine 196 retained).
Molecular consequence: synonymous variant. On other transcripts: intron variant (2).
Genome position (GRCh38, 1-based): chr17:63,479,845, G>A. VCF-style: chr17-63479845-G-A. GRCh37 (hg19) VCF-style: chr17-61557206-G-A.
Other names: c.-197-492G>A (NM_001382701.1); c.183-492G>A (NM_001382700.1).
Identifiers: ClinVar variation 3029274 (VCV003029274.2), dbSNP rs763742450, ClinGen allele CA8699144.